The following is an entry in ClinVar:

ClinVar aggregate classification (germline): Uncertain significance. Review status: criteria provided, multiple submitters, no conflicts (2 of 4 stars). 7 submissions from 7 submitters: Uncertain significance (7). Last evaluated 2026-06-15.

Conditions:
Ehlers-Danlos syndrome, classic type, 2 (EDSCL2). Also called: Ehlers-Danlos syndrome, type 2; Ehlers-Danlos syndrome type 2 (formerly); Ehlers-Danlos Syndrome, Classic Type, COL5A2-Related. Identifiers: Orphanet 287, Orphanet 90318, MedGen C0268336, MONDO:0019568, OMIM 130010.
Familial thoracic aortic aneurysm and aortic dissection (TAAD). Also called: Thoracic aortic aneurysms and dissections. Identifiers: Orphanet 91387, MedGen C4707243, MONDO:0019625.
Ehlers-Danlos syndrome, classic type, 1 (EDSCL1). Also called: Ehlers-Danlos syndrome, type 1; Ehlers-Danlos Syndrome, Classic Type, COL5A1-Related; EDS I; EHLERS-DANLOS SYNDROME, GRAVIS TYPE; EHLERS-DANLOS SYNDROME, SEVERE CLASSIC TYPE. Identifiers: MedGen C0268335, MONDO:0019567, OMIM 130000.

Allele frequency attached by ClinVar (database versions not stated): TOPMed below 0.00001; gnomAD 0.00001; gnomAD exomes below 0.00001.
gnomAD v4.1: 4 of 1,614,016 alleles (0.00025%); highest among the groups gnomAD compares: Non-Finnish European, 0.00034%; no homozygotes.

Submissions (7):

Women's Health and Genetics/Laboratory Corporation of America, LabCorp
Classification: Uncertain significance. Last evaluated: 2026-06-15. Review status: criteria provided, single submitter. Criteria: LabCorp Variant Classification Summary - May 2015. Collection method: clinical testing. Allele origin: germline.

Labcorp Genetics (formerly Invitae), Labcorp
Classification: Uncertain significance for Ehlers-Danlos syndrome, classic type, 1. Last evaluated: 2025-12-20. Review status: criteria provided, single submitter. Criteria: Invitae Variant Classification Sherloc (09022015). Collection method: clinical testing. Allele origin: germline.
Comment: This sequence change replaces isoleucine, which is neutral and non-polar, with asparagine, which is neutral and polar, at codon 53 of the COL5A2 protein (p.Ile53Asn). This variant is not present in population databases (gnomAD no frequency). This missense change has been observed in individual(s) with COL5A2-related conditions (internal data). ClinVar contains an entry for this variant (Variation ID: 653176). Invitae Evidence Modeling of protein sequence and biophysical properties (such as structural, functional, and spatial information, amino acid conservation, physicochemical variation, residue mobility, and thermodynamic stability) has been performed for this missense variant. However, the output from this modeling did not meet the statistical confidence thresholds required to predict the impact of this variant on COL5A2 protein function. In summary, the available evidence is currently insufficient to determine the role of this variant in disease. Therefore, it has been classified as a Variant of Uncertain Significance.

Ambry Genetics
Classification: Uncertain significance for Familial thoracic aortic aneurysm and aortic dissection. Last evaluated: 2025-02-10. Review status: criteria provided, single submitter. Criteria: Ambry Variant Classification Scheme 2023. Collection method: clinical testing. Allele origin: germline.
Comment: The p.I53N variant (also known as c.158T>A), located in coding exon 2 of the COL5A2 gene, results from a T to A substitution at nucleotide position 158. The isoleucine at codon 53 is replaced by asparagine, an amino acid with dissimilar properties. This amino acid position is well conserved in available vertebrate species. In addition, the in silico prediction for this alteration is inconclusive. Based on the available evidence, the clinical significance of this variant remains unclear.

GeneDx
Classification: Uncertain significance. Last evaluated: 2023-02-27. Review status: criteria provided, single submitter. Criteria: GeneDx Variant Classification Process June 2021. Collection method: clinical testing. Allele origin: germline. Affected: yes.
Comment: Not observed at significant frequency in large population cohorts (gnomAD); In silico analysis supports that this missense variant does not alter protein structure/function; Has not been previously published as pathogenic or benign to our knowledge; Not located in the triple helical region, where the majority of pathogenic missense variants occur (Symoens et al., 2012; HGMD)

Fulgent Genetics
Classification: Uncertain significance for Ehlers-Danlos syndrome, classic type, 2. Last evaluated: 2021-11-23. Review status: criteria provided, single submitter. Criteria: ACMG Guidelines, 2015. Collection method: clinical testing. Allele origin: unknown.

Mayo Clinic Laboratories, Mayo Clinic
Classification: Uncertain significance. Last evaluated: 2021-05-05. Review status: criteria provided, single submitter. Criteria: ACMG Guidelines, 2015. Collection method: clinical testing. Allele origin: germline.

ARUP Laboratories, Molecular Genetics and Genomics, ARUP Laboratories
Classification: Uncertain significance for Ehlers-Danlos syndrome, classic type, 2. Last evaluated: 2020-04-04. Review status: criteria provided, single submitter. Criteria: ARUP Molecular Germline Variant Investigation Process. Collection method: clinical testing. Allele origin: germline.
Comment: The COL5A2 c.158T>A; p.Ile53Asn variant (rs1443765130), to our knowledge, is not reported in the medical literature but is reported in ClinVar (Variation ID: 653176). This variant is absent from general population databases (Exome Variant Server, Genome Aggregation Database), indicating it is not a common polymorphism. The isoleucine at codon 53 is moderately conserved, and computational analyses (SIFT, PolyPhen-2) predict that this variant is deleterious. However, due to limited information, the clinical significance of the p.Ile53Asn variant is uncertain at this time.

NM_000393.5(COL5A2):c.158T>A (p.Ile53Asn)

Gene: COL5A2 (collagen type V alpha 2 chain; minus strand). Cytogenetic location: 2q32.2.
Variant type: single nucleotide variant.
Coding change: c.158T>A on transcript NM_000393.5 (MANE Select); coding-DNA position 158, T replaced by A.
Protein change: p.Ile53Asn; replaces isoleucine 53 with asparagine.
Molecular consequence: missense variant.
Genome position (GRCh38, 1-based): chr2:189,110,389, A>T on the plus strand (T>A on the coding strand, the complement: COL5A2 is on the minus strand). VCF-style: chr2-189110389-A-T. GRCh37 (hg19) VCF-style: chr2-189975115-A-T.
Other names: p.Ile53Asn; short protein forms I53N.
Identifiers: ClinVar variation 653176 (VCV000653176.26), dbSNP rs1443765130, ClinGen allele CA349868472.
Genomic context (GRCh38, chr2:189,110,389, plus strand): 5'-TTGTCACAGAGAATGGCTCCATTGTCACAGACACAGATCTGACAAGGGGCAGGTTTCCAA[A>T]TGTCCCTGTTTAAGTACATCTGGCCATTCTGAGTGCAGGCTATTTCTTCACCATATCCTT-3'
Protein context (NP_000384.2, residues 43-63): QNGQMYLNRD[Ile53Asn]WKPAPCQICV